The following is an entry in ClinVar:

NM_001388303.1(HECTD4):c.786G>T (p.Arg262Ser)

Gene: HECTD4 (HECT domain E3 ubiquitin protein ligase 4; minus strand). Cytogenetic location: 12q24.13.
Variant type: single nucleotide variant.
Coding change: c.786G>T on transcript NM_001388303.1 (MANE Select); coding-DNA position 786, G replaced by T.
Protein change: p.Arg262Ser; replaces arginine 262 with serine.
Molecular consequence: missense variant.
Genome position (GRCh38, 1-based): chr12:112,313,147, C>A on the plus strand (G>T on the coding strand, the complement: HECTD4 is on the minus strand). VCF-style: chr12-112313147-C-A. GRCh37 (hg19) VCF-style: chr12-112750951-C-A.
Other names: c.786G>T, p.Arg262Ser (NM_001109662.4); short protein forms R262S.
Identifiers: ClinVar variation 2634251 (VCV002634251.1), dbSNP rs1391121061, ClinGen allele CA386918586.

ClinVar aggregate classification (germline): Uncertain significance (1 of 4 stars; one submission).

Conditions:
HECTD4-related disorder. Also called: HECTD4-related condition.

gnomAD v4.1: 3 of 1,533,838 alleles (0.0002%); highest among the groups gnomAD compares: Non-Finnish European, 0.00017%; no homozygotes.

Submission:

PreventionGenetics, part of Exact Sciences
Classification: Uncertain significance for HECTD4-related condition. Last evaluated: 2023-07-31. Review status: criteria provided, single submitter. Criteria: ACMG Guidelines, 2015. Collection method: clinical testing. Allele origin: germline.
Comment: The HECTD4 c.354G>T variant is predicted to result in the amino acid substitution p.Arg118Ser. To our knowledge, this variant has not been reported in the literature or in a large population database, indicating this variant is rare. At this time, the clinical significance of this variant is uncertain due to the absence of conclusive functional and genetic evidence.